The following is an entry in ClinVar:

ClinVar aggregate classification (germline): Uncertain significance (1 of 4 stars; one submission).

Conditions:
Duchenne muscular dystrophy (DMD). Also called: MUSCULAR DYSTROPHY, PSEUDOHYPERTROPHIC PROGRESSIVE, DUCHENNE TYPE; Duchenne Muscular Dystrophy (DMD). Identifiers: Orphanet 98896, MedGen C0013264, MONDO:0010679, OMIM 310200.

Allele frequency attached by ClinVar (database versions not stated): gnomAD exomes below 0.00001; ExAC 0.00001.
gnomAD v4.1: 1 of 1,205,760 alleles (0.000083%); highest among the groups gnomAD compares: South Asian, 0.0018%; no homozygotes.

Submission:

Labcorp Genetics (formerly Invitae), Labcorp
Classification: Uncertain significance for Duchenne muscular dystrophy. Last evaluated: 2023-12-18. Review status: criteria provided, single submitter. Criteria: Invitae Variant Classification Sherloc (09022015). Collection method: clinical testing. Allele origin: germline.
Comment: This sequence change replaces valine, which is neutral and non-polar, with phenylalanine, which is neutral and non-polar, at codon 448 of the DMD protein (p.Val448Phe). This variant is not present in population databases (gnomAD no frequency). This variant has not been reported in the literature in individuals affected with DMD-related conditions. Advanced modeling of protein sequence and biophysical properties (such as structural, functional, and spatial information, amino acid conservation, physicochemical variation, residue mobility, and thermodynamic stability) performed at Invitae indicates that this missense variant is not expected to disrupt DMD protein function with a negative predictive value of 95%. In summary, the available evidence is currently insufficient to determine the role of this variant in disease. Therefore, it has been classified as a Variant of Uncertain Significance.

NM_004006.3(DMD):c.1342G>T (p.Val448Phe)

Gene: DMD (dystrophin; minus strand). Cytogenetic location: Xp21.1.
Variant type: single nucleotide variant.
Coding change: c.1342G>T on transcript NM_004006.3 (MANE Select); coding-DNA position 1342, G replaced by T.
Protein change: p.Val448Phe; replaces valine 448 with phenylalanine.
Molecular consequence: missense variant.
Genome position (GRCh38, 1-based): chrX:32,614,443, C>A on the plus strand (G>T on the coding strand, the complement: DMD is on the minus strand). VCF-style: chrX-32614443-C-A. GRCh37 (hg19) VCF-style: chrX-32632560-C-A.
Other names: c.1318G>T, p.Val440Phe (NM_000109.4); c.1330G>T, p.Val444Phe (NM_004009.3); c.973G>T, p.Val325Phe (NM_004010.3); short protein forms V325F, V448F, V440F, V444F.
Identifiers: ClinVar variation 2916849 (VCV002916849.3), dbSNP rs763422129, ClinGen allele CA10379871.